The following is an entry in ClinVar:

ClinVar aggregate classification (germline): Benign/Likely benign. Review status: criteria provided, multiple submitters, no conflicts (2 of 4 stars). 2 submissions from 2 submitters: Benign (1); Likely benign (1). Last evaluated 2024-07-23.

Conditions:
Hereditary cancer-predisposing syndrome. Also called: Neoplastic Syndromes, Hereditary; Tumor predisposition; Hereditary Cancer Syndrome; Hereditary neoplastic syndrome. Identifiers: Orphanet 140162, MedGen C0027672, MeSH D009386, MONDO:0015356.
Familial cancer of breast. Also called: hereditary breast carcinoma; BREAST CANCER, FAMILIAL; Hereditary breast cancer. Identifiers: Orphanet 227535, MedGen C0346153, MONDO:0016419, OMIM 114480. Disease mechanism: loss of function.

Submissions (2):

Myriad Genetics, Inc.
Classification: Benign for Familial cancer of breast. Last evaluated: 2024-07-23. Review status: criteria provided, single submitter. Criteria: Myriad Autosomal Dominant, Autosomal Recessive and X-Linked Classification Criteria (2023). Collection method: clinical testing. Allele origin: unknown.
Comment: This variant is considered benign. This variant is a silent/synonymous amino acid change and it is not expected to impact splicing.

Ambry Genetics
Classification: Likely benign for Hereditary cancer-predisposing syndrome. Last evaluated: 2017-10-04. Review status: criteria provided, single submitter. Criteria: Ambry Variant Classification Scheme 2023. Collection method: clinical testing. Allele origin: germline.

NM_000465.4(BARD1):c.834C>T (p.Val278=)

Gene: BARD1 (BRCA1 associated RING domain 1; minus strand). Cytogenetic location: 2q35.
Variant type: single nucleotide variant.
Coding change: c.834C>T on transcript NM_000465.4 (MANE Select); coding-DNA position 834, C replaced by T.
Protein change: p.Val278=; no amino-acid change (valine 278 retained).
Molecular consequence: synonymous variant. On other transcripts: non-coding transcript variant (2), intron variant (3).
Genome position (GRCh38, 1-based): chr2:214,781,040, G>A on the plus strand (C>T on the coding strand, the complement: BARD1 is on the minus strand). VCF-style: chr2-214781040-G-A. GRCh37 (hg19) VCF-style: chr2-215645764-G-A.
Other names: c.777C>T, p.Val259= (NM_001282543.2); c.158+28372C>T (NM_001282548.2); c.215+16021C>T (NM_001282545.2); c.364+11257C>T (NM_001282549.2).
Identifiers: ClinVar variation 1763033 (VCV001763033.3), dbSNP rs2469507706, ClinGen allele CA431391999.
Genomic context (GRCh38, chr2:214,781,040, plus strand): 5'-CACTACTTCATTCCTGCTCTTAGTGTCTGGAGACTCTATTTGCTCAGCCAATGGTAAAGA[G>A]ACTTCAGTTAAACTTCCAAAACATTCAGATTCTGTCAAGGAGCCACTTGCTAGTAAGTCT-3'
Protein context (NP_000456.2, residues 268-288): ESECFGSLTE[Val278=]SLPLAEQIES